The following is an entry in ClinVar:

ClinVar aggregate classification (germline): Pathogenic/Likely pathogenic. Review status: criteria provided, multiple submitters, no conflicts (2 of 4 stars). 2 submissions from 2 submitters: Pathogenic (1); Likely pathogenic (1). Last evaluated 2024-10-29.

Conditions:
Primary ciliary dyskinesia. Also called: Ciliary dyskinesia. Identifiers: Orphanet 244, MedGen C0008780, MONDO:0016575, HP:0012265.
Neurodevelopmental delay. Identifiers: MedGen C4022738, HP:0012758.

Submissions (2):

Labcorp Genetics (formerly Invitae), Labcorp
Classification: Pathogenic for Primary ciliary dyskinesia. Last evaluated: 2024-10-29. Review status: criteria provided, single submitter. Criteria: Invitae Variant Classification Sherloc (09022015). Collection method: clinical testing. Allele origin: germline.
Comment: This sequence change creates a premature translational stop signal (p.Phe338Serfs*8) in the RSPH4A gene. It is expected to result in an absent or disrupted protein product. Loss-of-function variants in RSPH4A are known to be pathogenic (PMID: 19200523). This variant is not present in population databases (gnomAD no frequency). This variant has not been reported in the literature in individuals affected with RSPH4A-related conditions. ClinVar contains an entry for this variant (Variation ID: 936068). For these reasons, this variant has been classified as Pathogenic.

Centre de Biologie Pathologie Génétique, Centre Hospitalier Universitaire de Lille
Classification: Likely pathogenic for Neurodevelopmental delay. Review status: criteria provided, single submitter. Criteria: ACMG Guidelines, 2015. Collection method: clinical testing. Allele origin: biparental. Affected: yes.

Literature cited by the submitters: PubMed 19200523 (cited by Labcorp Genetics (formerly Invitae), Labcorp).

NM_001010892.3(RSPH4A):c.1011_1012del (p.Phe338fs)

Gene: RSPH4A (radial spoke head component 4A; plus strand). Cytogenetic location: 6q22.1.
Variant type: Microsatellite.
Coding change: c.1011_1012del on transcript NM_001010892.3 (MANE Select); coding-DNA positions 1011 to 1012, 2 bases deleted (AT; older notation c.1011_1012delAT).
Protein change: p.Phe338fs; shifts the reading frame from phenylalanine 338.
Molecular consequence: frameshift variant.
Genome position (GRCh38, 1-based): chr6:116,627,718-116,627,719, AT deleted; deleting any 2 consecutive bases within chr6:116,627,716-116,627,719 gives the same sequence; the c. name uses the placement nearest the transcript's 3' end. VCF-style (leftmost placement, unchanged base first): chr6-116627715-CAT-C. GRCh37 (hg19) VCF-style: chr6-116948878-CAT-C.
Other names: c.1011_1012del, p.Phe338fs (NM_001161664.2); short protein forms F338fs.
Identifiers: ClinVar variation 936068 (VCV000936068.9), dbSNP rs1775719317, ClinGen allele CA1657309726.